The following is an entry in ClinVar:

ClinVar aggregate classification (germline): Benign. Review status: criteria provided, single submitter (1 of 4 stars). 2 submissions from 2 submitters: Benign (1). 1 of the submissions does not count toward it. Last evaluated 2022-09-01.

Conditions:
WDFY3-related disorder.

Allele frequency attached by ClinVar (database versions not stated): gnomAD exomes 0.00009; ExAC 0.00028; 1000 Genomes Project 30x 0.00078; 1000 Genomes Project 0.00080; gnomAD 0.00110; ESP Exome Variant Server 0.00120; TOPMed 0.00125.

Submissions (2):

CeGaT Center for Human Genetics Tuebingen
Classification: Benign. Last evaluated: 2022-09-01. Review status: criteria provided, single submitter. Criteria: CeGaT Center For Human Genetics Tuebingen Variant Classification Criteria Version 2. Collection method: clinical testing. Allele origin: germline. Affected: yes. Observed: 1 variant allele.
Comment: WDFY3: BS1, BS2

PreventionGenetics, part of Exact Sciences
Classification: Likely benign for WDFY3-related condition. Last evaluated: 2024-02-22. Review status: no assertion criteria provided. Collection method: clinical testing. Allele origin: germline. Not counted in ClinVar's aggregate classification.
Comment: This variant is classified as likely benign based on ACMG/AMP sequence variant interpretation guidelines (Richards et al. 2015 PMID: 25741868, with internal and published modifications).

NM_014991.6(WDFY3):c.9363+6dup

Gene: WDFY3 (WD repeat and FYVE domain containing 3; minus strand). Cytogenetic location: 4q21.23.
Variant type: Duplication.
Coding change: c.9363+6dup on transcript NM_014991.6 (MANE Select); 6 bases into the intron after coding-DNA position 9363, one base duplicated (A; older notation c.9363+6dupA).
Molecular consequence: intron variant.
Genome position (GRCh38, 1-based): chr4:84,690,500, T duplicated on the plus strand (A on the coding strand, the reverse complement: WDFY3 is on the minus strand). VCF-style (leftmost placement, unchanged base first): chr4-84690499-C-CT. GRCh37 (hg19) VCF-style: chr4-85611652-C-CT.
Other names: c.9363+6dupA (NM_014991.4).
Identifiers: ClinVar variation 2654859 (VCV002654859.25), dbSNP rs575386588, ClinGen allele CA2992201.